The following is an entry in ClinVar:

NM_004603.4(STX1A):c.435C>G (p.Cys145Trp)

Gene: STX1A (syntaxin 1A; minus strand). Cytogenetic location: 7q11.23.
Variant type: single nucleotide variant.
Coding change: c.435C>G on transcript NM_004603.4 (MANE Select); coding-DNA position 435, C replaced by G.
Protein change: p.Cys145Trp; replaces cysteine 145 with tryptophan.
Molecular consequence: missense variant.
Genome position (GRCh38, 1-based): chr7:73,704,179, G>C on the plus strand (C>G on the coding strand, the complement: STX1A is on the minus strand). VCF-style: chr7-73704179-G-C. GRCh37 (hg19) VCF-style: chr7-73118509-G-C.
Other names: c.435C>G, p.Cys145Trp (NM_001165903.2); short protein forms C145W.
Identifiers: ClinVar variation 984555 (VCV000984555.3), dbSNP rs200456346, ClinGen allele CA367835795.

ClinVar aggregate classification (germline): Likely pathogenic. Review status: criteria provided, single submitter (1 of 4 stars). 2 submissions from 2 submitters: Likely pathogenic (1). 1 of the submissions does not count toward it. Last evaluated 2022-04-22.

Conditions:
Seizure. Also called: Seizures. Identifiers: MedGen C0036572, HP:0001250.
Intellectual disability. Also called: Intellectual functioning disability; intellectual disabilities; Intellectual developmental disorder. Identifiers: MedGen C3714756, MeSH D008607, MONDO:0001071, HP:0001249.
Neurodevelopmental abnormality. Identifiers: MedGen C4022737, HP:0012759.

Submissions (2):

Institute of Human Genetics, University of Leipzig Medical Center
Classification: Likely pathogenic for Intellectual disability; Seizure. Last evaluated: 2022-04-22. Review status: criteria provided, single submitter. Criteria: ACMG Guidelines, 2015. Collection method: research. Allele origin: de novo. Affected: yes.
Comment: This variant was identified as de novo.

Department of Genetics, Rouen University Hospital, Normandy Center for Genomic and Personalized Medicine
Classification: Uncertain significance for Neurodevelopmental abnormality. Last evaluated: 2020-06-04. Review status: no assertion criteria provided. Collection method: clinical testing. Allele origin: de novo. Affected: yes. Not counted in ClinVar's aggregate classification.

Literature cited by the submitters: DOI doi.org/10.1101/2022.04.20.22274073 (cited by Institute of Human Genetics, University of Leipzig Medical Center).